The following is an entry in ClinVar:

NM_152415.3(VPS37A):c.417-9T>C

Gene: VPS37A (VPS37A subunit of ESCRT-I; plus strand). Cytogenetic location: 8p22.
Variant type: single nucleotide variant.
Coding change: c.417-9T>C on transcript NM_152415.3 (MANE Select); 9 bases into the intron before coding-DNA position 417, T replaced by C.
Molecular consequence: intron variant.
Genome position (GRCh38, 1-based): chr8:17,274,724, T>C. VCF-style: chr8-17274724-T-C. GRCh37 (hg19) VCF-style: chr8-17132233-T-C.
Other names: c.147-9T>C (NM_001363172.2, NM_001363168.1, NM_001363170.1 and 2 more transcripts); c.417-9T>C (NM_001363173.2, NM_001363167.1, NM_152415.2); c.342-9T>C (NM_001145152.2).
Identifiers: ClinVar variation 2421066 (VCV002421066.8), dbSNP rs769418698, ClinGen allele CA4643318.
Genomic context (GRCh38, chr8:17,274,724, plus strand): 5'-AATTTAGAAACAATTTGACATGTTTTATCCATAAAATCTAATGTAATGATCTTCTCTTTT[T>C]CTTTTCAGTCTATACAGTAACCCAAGTGGGATGTCTCCTTATGCTTCTCAGGGTTTTCCA-3'

ClinVar aggregate classification (germline): Likely benign. Review status: criteria provided, single submitter (1 of 4 stars). 2 submissions from 2 submitters: Likely benign (1). 1 of the submissions does not count toward it. Last evaluated 2024-03-18.

Conditions:
VPS37A-related disorder. Also called: VPS37A-related condition.
Hereditary spastic paraplegia 53. Also called: Spastic paraplegia 53, autosomal recessive. Identifiers: Orphanet 319199, MedGen C3539494, MONDO:0013962, OMIM 614898.

Allele frequency attached by ClinVar (database versions not stated): gnomAD 0.00002; gnomAD exomes 0.00004; TOPMed 0.00004; ExAC 0.00005.
gnomAD v4.1: 60 of 1,599,628 alleles (0.0038%); highest among the groups gnomAD compares: Middle Eastern, 0.05%; no homozygotes.

Submissions (2):

Labcorp Genetics (formerly Invitae), Labcorp
Classification: Likely benign for Hereditary spastic paraplegia 53. Last evaluated: 2024-03-18. Review status: criteria provided, single submitter. Criteria: Invitae Variant Classification Sherloc (09022015). Collection method: clinical testing. Allele origin: germline.

PreventionGenetics, part of Exact Sciences
Classification: Likely benign for VPS37A-related condition. Last evaluated: 2019-07-23. Review status: no assertion criteria provided. Collection method: clinical testing. Allele origin: germline. Not counted in ClinVar's aggregate classification.
Comment: This variant is classified as likely benign based on ACMG/AMP sequence variant interpretation guidelines (Richards et al. 2015 PMID: 25741868, with internal and published modifications).